The following is an entry in ClinVar:

ClinVar aggregate classification (germline): Uncertain significance (1 of 4 stars; one submission).

Submission:

Ambry Genetics
Classification: Uncertain significance. Last evaluated: 2025-06-08. Review status: criteria provided, single submitter. Criteria: Ambry Variant Classification Scheme 2023. Collection method: clinical testing. Allele origin: germline.
Comment: The p.D192N variant (also known as c.574G>A), located in coding exon 1 of the MLH3 gene, results from a G to A substitution at nucleotide position 574. The aspartic acid at codon 192 is replaced by asparagine, an amino acid with highly similar properties. This amino acid position is conserved. In addition, this alteration is predicted to be tolerated by in silico analysis. Based on the available evidence, the clinical significance of this variant remains unclear.

NM_001040108.2(MLH3):c.574G>A (p.Asp192Asn)

Gene: MLH3 (mutL homolog 3; minus strand). Cytogenetic location: 14q24.3.
Variant type: single nucleotide variant.
Coding change: c.574G>A on transcript NM_001040108.2 (MANE Select); coding-DNA position 574, G replaced by A.
Protein change: p.Asp192Asn; replaces aspartic acid 192 with asparagine.
Molecular consequence: missense variant.
Genome position (GRCh38, 1-based): chr14:75,049,082, C>T on the plus strand (G>A on the coding strand, the complement: MLH3 is on the minus strand). VCF-style: chr14-75049082-C-T. GRCh37 (hg19) VCF-style: chr14-75515785-C-T.
Other names: c.574G>A, p.Asp192Asn (NM_014381.3); short protein forms D192N.
Identifiers: ClinVar variation 4055523 (VCV004055523.1).